The following is an entry in ClinVar:

NM_021813.4(BACH2):c.319C>T (p.Arg107Cys)

Gene: BACH2 (BACH transcriptional regulator 2; minus strand). Cytogenetic location: 6q15.
Variant type: single nucleotide variant.
Coding change: c.319C>T on transcript NM_021813.4 (MANE Select); coding-DNA position 319, C replaced by T.
Protein change: p.Arg107Cys; replaces arginine 107 with cysteine.
Molecular consequence: missense variant.
Genome position (GRCh38, 1-based): chr6:89,951,787, G>A on the plus strand (C>T on the coding strand, the complement: BACH2 is on the minus strand). VCF-style: chr6-89951787-G-A. GRCh37 (hg19) VCF-style: chr6-90661506-G-A.
Other names: c.319C>T, p.Arg107Cys (NM_001170794.2); short protein forms R107C.
Identifiers: ClinVar variation 3695952 (VCV003695952.2).

ClinVar aggregate classification (germline): Uncertain significance (1 of 4 stars; one submission).

gnomAD v4.1: 22 of 1,614,112 alleles (0.0014%); highest among the groups gnomAD compares: East Asian, 0.0022%; no homozygotes.

Submission:

Labcorp Genetics (formerly Invitae), Labcorp
Classification: Uncertain significance. Last evaluated: 2024-10-19. Review status: criteria provided, single submitter. Criteria: Invitae Variant Classification Sherloc (09022015). Collection method: clinical testing. Allele origin: germline.
Comment: This sequence change replaces arginine, which is basic and polar, with cysteine, which is neutral and slightly polar, at codon 107 of the BACH2 protein (p.Arg107Cys). This variant is present in population databases (rs531266975, gnomAD 0.005%). This variant has not been reported in the literature in individuals affected with BACH2-related conditions. Invitae Evidence Modeling of protein sequence and biophysical properties (such as structural, functional, and spatial information, amino acid conservation, physicochemical variation, residue mobility, and thermodynamic stability) indicates that this missense variant is not expected to disrupt BACH2 protein function with a negative predictive value of 80%. In summary, the available evidence is currently insufficient to determine the role of this variant in disease. Therefore, it has been classified as a Variant of Uncertain Significance.